The following is an entry in ClinVar:

NM_025099.6(CTC1):c.2044C>G (p.Gln682Glu)

Gene: CTC1 (CST telomere replication complex component 1; minus strand). Cytogenetic location: 17p13.1.
Variant type: single nucleotide variant.
Coding change: c.2044C>G on transcript NM_025099.6 (MANE Select); coding-DNA position 2044, C replaced by G.
Protein change: p.Gln682Glu; replaces glutamine 682 with glutamic acid.
Molecular consequence: missense variant. On other transcripts: non-coding transcript variant (1).
Genome position (GRCh38, 1-based): chr17:8,232,377, G>C on the plus strand (C>G on the coding strand, the complement: CTC1 is on the minus strand). VCF-style: chr17-8232377-G-C. GRCh37 (hg19) VCF-style: chr17-8135695-G-C.
Other names: c.2044C>G, p.Gln682Glu (NM_001411067.1); short protein forms Q682E.
Identifiers: ClinVar variation 2059729 (VCV002059729.4), dbSNP rs2507902161, ClinGen allele CA397979457.

ClinVar aggregate classification (germline): Uncertain significance (1 of 4 stars; one submission).

Conditions:
Dyskeratosis congenita. Identifiers: Orphanet 1775, MedGen C0265965, MONDO:0015780.

Submission:

Labcorp Genetics (formerly Invitae), Labcorp
Classification: Uncertain significance for Dyskeratosis congenita. Last evaluated: 2022-06-04. Review status: criteria provided, single submitter. Criteria: Invitae Variant Classification Sherloc (09022015). Collection method: clinical testing. Allele origin: germline.
Comment: This variant is not present in population databases (gnomAD no frequency). In summary, the available evidence is currently insufficient to determine the role of this variant in disease. Therefore, it has been classified as a Variant of Uncertain Significance. Algorithms developed to predict the effect of missense changes on protein structure and function are either unavailable or do not agree on the potential impact of this missense change (SIFT: "Deleterious"; PolyPhen-2: "Benign"; Align-GVGD: "Class C0"). This variant has not been reported in the literature in individuals affected with CTC1-related conditions. This sequence change replaces glutamine, which is neutral and polar, with glutamic acid, which is acidic and polar, at codon 682 of the CTC1 protein (p.Gln682Glu).